The following is an entry in ClinVar:

NM_001563.4(IMPG1):c.649A>G (p.Thr217Ala)

Gene: IMPG1 (interphotoreceptor matrix proteoglycan 1; minus strand). Cytogenetic location: 6q14.1.
Variant type: single nucleotide variant.
Coding change: c.649A>G on transcript NM_001563.4 (MANE Select); coding-DNA position 649, A replaced by G.
Protein change: p.Thr217Ala; replaces threonine 217 with alanine.
Molecular consequence: missense variant.
Genome position (GRCh38, 1-based): chr6:76,022,133, T>C on the plus strand (A>G on the coding strand, the complement: IMPG1 is on the minus strand). VCF-style: chr6-76022133-T-C. GRCh37 (hg19) VCF-style: chr6-76731850-T-C.
Other names: c.415A>G, p.Thr139Ala (NM_001282368.2); short protein forms T139A, T217A.
Identifiers: ClinVar variation 1064402 (VCV001064402.10), dbSNP rs757396390, ClinGen allele CA364779238.
Genomic context (GRCh38, chr6:76,022,133, plus strand): 5'-AACAGGCACATGAAGAGCTAGATCAACTCTAGGAACTTCTTACTGTTGTAGGCATCTTGG[T>C]GTCGTTGAGTGTATTATCGAGAATTTCATTGAGGAGGGTGTCATCAGGAGTGAGAGGGAA-3'
Protein context (NP_001554.2, residues 207-227): NEILDNTLND[Thr217Ala]KMPTTERETE

ClinVar aggregate classification (germline): Uncertain significance. Review status: criteria provided, multiple submitters, no conflicts (2 of 4 stars). 2 submissions from 2 submitters: Uncertain significance (2). Last evaluated 2022-09-05.

Allele frequency attached by ClinVar (database versions not stated): gnomAD 0.00001.

Submissions (2):

Blueprint Genetics
Classification: Uncertain significance. Last evaluated: 2022-09-05. Review status: criteria provided, single submitter. Criteria: ACMG Guidelines, 2015. Collection method: clinical testing. Allele origin: germline.

Labcorp Genetics (formerly Invitae), Labcorp
Classification: Uncertain significance. Last evaluated: 2020-06-16. Review status: criteria provided, single submitter. Criteria: Invitae Variant Classification Sherloc (09022015). Collection method: clinical testing. Allele origin: germline.
Comment: This sequence change replaces threonine with alanine at codon 217 of the IMPG1 protein (p.Thr217Ala). The threonine residue is weakly conserved and there is a small physicochemical difference between threonine and alanine. In summary, the available evidence is currently insufficient to determine the role of this variant in disease. Therefore, it has been classified as a Variant of Uncertain Significance. Algorithms developed to predict the effect of missense changes on protein structure and function (SIFT, PolyPhen-2, Align-GVGD) all suggest that this variant is likely to be tolerated, but these predictions have not been confirmed by published functional studies and their clinical significance is uncertain. This variant has not been reported in the literature in individuals with IMPG1-related conditions. This variant is not present in population databases (ExAC no frequency).